The following is an entry in ClinVar:

NM_001366385.1(CARD14):c.1199G>A (p.Arg400His)

Gene: CARD14 (caspase recruitment domain family member 14; plus strand). Cytogenetic location: 17q25.3.
Variant type: single nucleotide variant.
Coding change: c.1199G>A on transcript NM_001366385.1 (MANE Select); coding-DNA position 1199, G replaced by A.
Protein change: p.Arg400His; replaces arginine 400 with histidine.
Molecular consequence: missense variant. On other transcripts: non-coding transcript variant (1).
Genome position (GRCh38, 1-based): chr17:80,191,432, G>A. VCF-style: chr17-80191432-G-A. GRCh37 (hg19) VCF-style: chr17-78165231-G-A.
Other names: p.Arg400His; c.1199G>A, p.Arg400His (NM_024110.4, NM_001257970.1); c.488G>A, p.Arg163His (NM_052819.3); c.1199G>A (NM_024110.3); short protein forms R163H, R400H.
Identifiers: ClinVar variation 647550 (VCV000647550.17), dbSNP rs147466598, ClinGen allele CA8816705.

ClinVar aggregate classification (germline): Conflicting classifications of pathogenicity. Review status: criteria provided, conflicting classifications (1 of 4 stars). 7 submissions from 7 submitters: Uncertain significance (4); Likely benign (2). 1 of the submissions does not count toward it. Last evaluated 2025-12-10.

Conditions:
Autoinflammatory syndrome. Identifiers: Orphanet 93665, MedGen C3890737, MONDO:0019751.
Inborn genetic diseases. Identifiers: MedGen C0950123, MeSH D030342.
Pityriasis rubra pilaris (PRP). Also called: Pityriasis rubra pilaris--familial type. Identifiers: Orphanet 2897, MedGen C0032027, MONDO:0100017, OMIM 173200, MONDO:0008251.
Psoriasis 2. Identifiers: MedGen C1864497, MONDO:0011269, OMIM 602723.

Allele frequency attached by ClinVar (database versions not stated): gnomAD exomes 0.00013 and 0.00033; TOPMed 0.00014; gnomAD 0.00016; ExAC 0.00018; ESP Exome Variant Server 0.00038.
gnomAD v4.1: 486 of 1,613,436 alleles (0.03%); highest among the groups gnomAD compares: Non-Finnish European, 0.04%; no homozygotes.

Submissions (7):

Labcorp Genetics (formerly Invitae), Labcorp
Classification: Uncertain significance for Pityriasis rubra pilaris; Psoriasis 2. Last evaluated: 2025-12-10. Review status: criteria provided, single submitter. Criteria: Invitae Variant Classification Sherloc (09022015). Collection method: clinical testing. Allele origin: germline.
Comment: This sequence change replaces arginine, which is basic and polar, with histidine, which is basic and polar, at codon 400 of the CARD14 protein (p.Arg400His). This variant is present in population databases (rs147466598, gnomAD 0.03%). This variant has not been reported in the literature in individuals affected with CARD14-related conditions. ClinVar contains an entry for this variant (Variation ID: 647550). Invitae Evidence Modeling of protein sequence and biophysical properties (such as structural, functional, and spatial information, amino acid conservation, physicochemical variation, residue mobility, and thermodynamic stability) indicates that this missense variant is not expected to disrupt CARD14 protein function with a negative predictive value of 95%. In summary, the available evidence is currently insufficient to determine the role of this variant in disease. Therefore, it has been classified as a Variant of Uncertain Significance.

Women's Health and Genetics/Laboratory Corporation of America, LabCorp
Classification: Likely benign. Last evaluated: 2025-11-03. Review status: criteria provided, single submitter. Criteria: LabCorp Variant Classification Summary - May 2015. Collection method: clinical testing. Allele origin: germline.
Comment: Variant summary: CARD14 c.1199G>A (p.Arg400His) results in a non-conservative amino acid change in the encoded protein sequence. Algorithms developed to predict the effect of missense changes on protein structure and function are either unavailable or do not agree on the potential impact of this missense change. The variant allele was found at a frequency of 0.00013 in 250110 control chromosomes. The observed variant frequency exceeds the estimated maximal expected allele frequency for disease-causing variants in CARD14. To our knowledge, no occurrence of c.1199G>A in individuals affected with CARD14-related conditions and no experimental evidence demonstrating its impact on protein function have been reported. ClinVar contains an entry for this variant (Variation ID: 647550). Based on the evidence outlined above, the variant was classified as likely benign.

Mayo Clinic Laboratories, Mayo Clinic
Classification: Uncertain significance. Last evaluated: 2025-06-26. Review status: criteria provided, single submitter. Criteria: ACMG Guidelines, 2015. Collection method: clinical testing. Allele origin: germline. Observed: 1 variant allele.
Comment: BP4_moderate

Ambry Genetics
Classification: Uncertain significance for Inborn genetic diseases. Last evaluated: 2025-02-08. Review status: criteria provided, single submitter. Criteria: Ambry Variant Classification Scheme 2023. Collection method: clinical testing. Allele origin: germline.

Blueprint Genetics
Classification: Likely benign. Last evaluated: 2024-04-10. Review status: criteria provided, single submitter. Criteria: ACMG Guidelines, 2015. Collection method: clinical testing. Allele origin: germline.

Genome Diagnostics Laboratory, The Hospital for Sick Children
Classification: Uncertain significance for Autoinflammatory syndrome. Last evaluated: 2019-03-01. Review status: criteria provided, single submitter. Criteria: ACMG Guidelines, 2015. Collection method: clinical testing. Allele origin: germline. Affected: yes.

Department of Pathology and Laboratory Medicine, Sinai Health System
Classification: Uncertain significance. Review status: no assertion criteria provided. Collection method: clinical testing. Allele origin: unknown. Affected: yes. Study: The Canadian Open Genetics Repository (COGR). Not counted in ClinVar's aggregate classification.
Comment: The CARD14 p.Arg400His variant was not identified in the literature but was identified in dbSNP (ID: rs147466598) and ClinVar (classified as uncertain significance by Invitae). The variant was identified in control databases in 34 of 281508 chromosomes at a frequency of 0.000121 (Genome Aggregation Database March 6, 2019, v2.1.1). The variant was observed in the following populations: Other in 2 of 7208 chromosomes (freq: 0.000278), European (non-Finnish) in 31 of 127960 chromosomes (freq: 0.000242) and African in 1 of 24916 chromosomes (freq: 0.00004), but was not observed in the Latino, Ashkenazi Jewish, East Asian, European (Finnish), or South Asian populations. The p.Arg400 residue is conserved in mammals but not in more distantly related organisms however computational analyses (PolyPhen-2, SIFT, AlignGVGD, BLOSUM, MutationTaster) do not suggest a high likelihood of impact to the protein; this information is not predictive enough to rule out pathogenicity. The variant occurs outside of the splicing consensus sequence and in silico or computational prediction software programs (SpliceSiteFinder, MaxEntScan, NNSPLICE, GeneSplicer) do not predict a difference in splicing. In summary, based on the above information the clinical significance of this variant cannot be determined with certainty at this time. This variant is classified as a variant of uncertain significance.